The following is an entry in ClinVar:

ClinVar aggregate classification (germline): Likely benign. Review status: criteria provided, multiple submitters, no conflicts (2 of 4 stars). 3 submissions from 3 submitters: Likely benign (3). Last evaluated 2024-10-02.

Conditions:
Hereditary cancer-predisposing syndrome. Also called: Tumor predisposition; Hereditary neoplastic syndrome; Hereditary Cancer Syndrome; Neoplastic Syndromes, Hereditary. Identifiers: Orphanet 140162, MedGen C0027672, MeSH D009386, MONDO:0015356.
Familial cancer of breast. Also called: hereditary breast carcinoma; Hereditary breast cancer; BREAST CANCER, FAMILIAL. Identifiers: Orphanet 227535, MedGen C0346153, MONDO:0016419, OMIM 114480. Disease mechanism: loss of function.

Allele frequency attached by ClinVar (database versions not stated): TOPMed below 0.00001; gnomAD 0.00001.

Submissions (3):

Myriad Genetics, Inc.
Classification: Likely benign for Familial cancer of breast. Last evaluated: 2024-10-02. Review status: criteria provided, single submitter. Criteria: Myriad Autosomal Dominant, Autosomal Recessive and X-Linked Classification Criteria (2023). Collection method: clinical testing. Allele origin: unknown.
Comment: This variant is considered likely benign. This variant is intronic and is not expected to impact mRNA splicing.

Labcorp Genetics (formerly Invitae), Labcorp
Classification: Likely benign for Familial cancer of breast. Last evaluated: 2023-07-25. Review status: criteria provided, single submitter. Criteria: Invitae Variant Classification Sherloc (09022015). Collection method: clinical testing. Allele origin: germline.

Color Diagnostics, LLC DBA Color Health
Classification: Likely benign for Hereditary cancer-predisposing syndrome. Last evaluated: 2020-06-29. Review status: criteria provided, single submitter. Criteria: ACMG Guidelines, 2015. Collection method: clinical testing. Allele origin: germline.

NM_007194.4(CHEK2):c.445-14G>A

Gene: CHEK2 (checkpoint kinase 2; minus strand). Cytogenetic location: 22q12.1.
Variant type: single nucleotide variant.
Coding change: c.445-14G>A on transcript NM_007194.4 (MANE Select); 14 bases into the intron before coding-DNA position 445, G replaced by A.
Molecular consequence: intron variant.
Genome position (GRCh38, 1-based): chr22:28,725,138, C>T on the plus strand (G>A on the coding strand, the complement: CHEK2 is on the minus strand). VCF-style: chr22-28725138-C-T. GRCh37 (hg19) VCF-style: chr22-29121126-C-T.
Other names: c.-219-14G>A (NM_001437942.1); c.444+105G>A (NM_001349956.3); c.445-14G>A (NM_145862.3); c.-333-14G>A (NM_001257387.3); c.538-14G>A (NM_001438295.1, NM_001438293.1); c.574-14G>A (NM_001438294.1, NM_001005735.3).
Identifiers: ClinVar variation 1171465 (VCV001171465.6), dbSNP rs2053950383, ClinGen allele CA1024874790.
Genomic context (GRCh38, chr22:28,725,138, plus strand): 5'-CTGTGATCTTCTATGTATGCAATGTAAGAGTTTTTAGGACCCACTTCCTAAAATAGAGAA[C>T]ATTTTGTTTCAGACTTTGAATAGCAGAGATTTATAGTGGGAAAATATCTAAAAACAATGA-3'